The following is an entry in ClinVar:

ClinVar aggregate classification (germline): Conflicting classifications of pathogenicity. Review status: criteria provided, conflicting classifications (1 of 4 stars). 5 submissions from 5 submitters: Uncertain significance (1); Benign (1); Likely benign (3). Last evaluated 2026-07-10.

Conditions:
Rhabdoid tumor predisposition syndrome 2 (RTPS2). Identifiers: Orphanet 231108, Orphanet 69077, MedGen C2750074, MONDO:0013224, OMIM 613325.
Hereditary cancer-predisposing syndrome. Also called: Hereditary Cancer Syndrome; Hereditary neoplastic syndrome; Neoplastic Syndromes, Hereditary; Tumor predisposition. Identifiers: Orphanet 140162, MedGen C0027672, MeSH D009386, MONDO:0015356.

Allele frequency attached by ClinVar (database versions not stated): gnomAD exomes below 0.00001 and 0.00001; TOPMed 0.00001; 1000 Genomes Project 30x 0.00031; gnomAD 0.00001 and 0.00002; ExAC 0.00002; 1000 Genomes Project 0.00020.
gnomAD v4.1: 4 of 1,613,222 alleles (0.00025%); highest among the groups gnomAD compares: African/African-American, 0.0027%; no homozygotes.

Submissions (5):

Myriad Genetics, Inc.
Classification: Benign for Rhabdoid tumor predisposition syndrome 2. Last evaluated: 2026-07-10. Review status: criteria provided, single submitter. Criteria: Myriad Autosomal Dominant, Autosomal Recessive and X-Linked Classification Criteria (2023). Collection method: clinical testing. Allele origin: unknown.
Comment: This variant is considered benign. This variant is a silent/synonymous amino acid change and it is not expected to impact splicing.

Labcorp Genetics (formerly Invitae), Labcorp
Classification: Likely benign for Rhabdoid tumor predisposition syndrome 2. Last evaluated: 2025-11-27. Review status: criteria provided, single submitter. Criteria: Invitae Variant Classification Sherloc (09022015). Collection method: clinical testing. Allele origin: germline.

Quest Diagnostics Nichols Institute San Juan Capistrano
Classification: Likely benign. Last evaluated: 2025-08-29. Review status: criteria provided, single submitter. Criteria: Quest Diagnostics criteria. Collection method: clinical testing. Allele origin: unknown.

Sema4
Classification: Uncertain significance for Hereditary cancer-predisposing syndrome. Last evaluated: 2022-03-10. Review status: criteria provided, single submitter. Criteria: Sema4 Curation Guidelines. Collection method: curation. Allele origin: germline.
Comment: The SMARCA4 c.1341G>A (p.L447=) variant has not been reported in the literature to our knowledge. This variant was observed in 2/247212 chromosomes in the large and broad cohorts of the Genome Aggregation Database (PMID: 32461654). The variant has been reported in ClinVar (Variation ID: 470239). This variant involves a conserved nucleotide, and computational analyses suggest that the variant does not impact mRNA splicing, though these predictions have not been confirmed by published functional studies. The evidence is insufficient to meet ACMG/AMP criteria for classifying the variant as benign or pathogenic. Thus, the clinical significance of this variant is currently uncertain.

Ambry Genetics
Classification: Likely benign for Hereditary cancer-predisposing syndrome. Last evaluated: 2016-02-04. Review status: criteria provided, single submitter. Criteria: Ambry Variant Classification Scheme 2023. Collection method: clinical testing. Allele origin: germline.

NM_003072.5(SMARCA4):c.1341G>A (p.Leu447=)

Gene: SMARCA4 (SWI/SNF related BAF chromatin remodeling complex subunit ATPase 4; plus strand). Cytogenetic location: 19p13.2.
Variant type: single nucleotide variant.
Coding change: c.1341G>A on transcript NM_003072.5 (MANE Select); coding-DNA position 1341, G replaced by A.
Protein change: p.Leu447=; no amino-acid change (leucine 447 retained).
Molecular consequence: synonymous variant. On other transcripts: non-coding transcript variant (1).
Genome position (GRCh38, 1-based): chr19:10,991,245, G>A. VCF-style: chr19-10991245-G-A. GRCh37 (hg19) VCF-style: chr19-11101921-G-A.
Other names: c.1341G>A, p.Leu447= (NM_001128849.3, NM_001374457.1, NM_001387283.1 and 5 more transcripts).
Identifiers: ClinVar variation 470239 (VCV000470239.19), dbSNP rs147558972, ClinGen allele CA9203755.